The following is an entry in ClinVar:

NM_000147.5(FUCA1):c.1054C>T (p.Gln352Ter)

Gene: FUCA1 (alpha-L-fucosidase 1; minus strand). Cytogenetic location: 1p36.11.
Variant type: single nucleotide variant.
Coding change: c.1054C>T on transcript NM_000147.5 (MANE Select); coding-DNA position 1054, C replaced by T.
Protein change: p.Gln352Ter; replaces glutamine 352 with a stop codon.
Molecular consequence: nonsense. On other transcripts: non-coding transcript variant (4).
Genome position (GRCh38, 1-based): chr1:23,848,755, G>A on the plus strand (C>T on the coding strand, the complement: FUCA1 is on the minus strand). VCF-style: chr1-23848755-G-A. GRCh37 (hg19) VCF-style: chr1-24175245-G-A.
Other names: short protein forms Q352*.
Identifiers: ClinVar variation 2914319 (VCV002914319.3), dbSNP rs1557506070, ClinGen allele CA339036560.

ClinVar aggregate classification (germline): Pathogenic (1 of 4 stars; one submission).

Conditions:
Fucosidosis. Also called: ALPHA-L-FUCOSIDASE DEFICIENCY. Identifiers: Orphanet 349, MedGen C0016788, MONDO:0009254, OMIM 230000.

Submission:

Labcorp Genetics (formerly Invitae), Labcorp
Classification: Pathogenic for Fucosidosis. Last evaluated: 2023-06-09. Review status: criteria provided, single submitter. Criteria: Invitae Variant Classification Sherloc (09022015). Collection method: clinical testing. Allele origin: germline.
Comment: For these reasons, this variant has been classified as Pathogenic. This variant has not been reported in the literature in individuals affected with FUCA1-related conditions. This variant is not present in population databases (gnomAD no frequency). This sequence change creates a premature translational stop signal (p.Gln352*) in the FUCA1 gene. It is expected to result in an absent or disrupted protein product. Loss-of-function variants in FUCA1 are known to be pathogenic (PMID: 10094192).

Literature cited by the submitters: PubMed 10094192.